The following is an entry in ClinVar:

ClinVar aggregate classification (germline): Benign. Review status: criteria provided, multiple submitters, no conflicts (2 of 4 stars). 3 submissions from 3 submitters: Benign (3). Last evaluated 2019-02-21.

Conditions:
Autoimmune lymphoproliferative syndrome type 2B. Also called: AUTOIMMUNE LYMPHOPROLIFERATIVE SYNDROME, TYPE IIB. Identifiers: Orphanet 275517, MedGen C1846545, MONDO:0011804, OMIM 607271.

Allele frequency attached by ClinVar (database versions not stated): gnomAD exomes 0.01751; gnomAD 0.05688 and 0.05700; TOPMed 0.06144; 1000 Genomes Project 0.08327; 1000 Genomes Project 30x 0.08557.
gnomAD v4.1: 24,171 of 1,030,530 alleles (2.3%); highest among the groups gnomAD compares: African/African-American, 17%; 1,534 homozygotes.

Submissions (3):

GeneDx
Classification: Benign. Last evaluated: 2019-02-21. Review status: criteria provided, single submitter. Criteria: GeneDx Variant Classification Process June 2021. Collection method: clinical testing. Allele origin: germline. Affected: yes.

Illumina Laboratory Services, Illumina
Classification: Benign for Autoimmune lymphoproliferative syndrome type 2B. Last evaluated: 2018-01-12. Review status: criteria provided, single submitter. Criteria: ICSL Variant Classification Criteria 13 December 2019. Collection method: clinical testing. Allele origin: germline.
Comment: This variant was observed in the ICSL laboratory as part of a predisposition screen in an ostensibly healthy population. It had not been previously curated by ICSL or reported in the Human Gene Mutation Database (HGMD: prior to June 1st, 2018), and was therefore a candidate for classification through an automated scoring system. Utilizing variant allele frequency, disease prevalence and penetrance estimates, and inheritance mode, an automated score was calculated to assess if this variant is too frequent to cause the disease. Based on the score and internal cut-off values, a variant classified as benign is not then subjected to further curation. The score for this variant resulted in a classification of benign for this disease.

Breakthrough Genomics
Classification: Benign. Review status: criteria provided, single submitter. Criteria: ACMG Guidelines, 2015. Collection method: not provided. Allele origin: germline. Inheritance: Autosomal recessive inheritance. Affected: yes.

NM_001372051.1(CASP8):c.*99G>A

Gene: CASP8 (caspase 8; plus strand). Cytogenetic location: 2q33.1.
Variant type: single nucleotide variant.
Coding change: c.*99G>A on transcript NM_001372051.1 (MANE Select); 99 bases downstream of the stop codon, G replaced by A.
Molecular consequence: 3 prime UTR variant. On other transcripts: non-coding transcript variant (22).
Genome position (GRCh38, 1-based): chr2:201,286,693, G>A. VCF-style: chr2-201286693-G-A. GRCh37 (hg19) VCF-style: chr2-202151416-G-A.
Other names: c.*99G>A (NM_001080124.2, NM_001080125.2, NM_001228.5 and 35 more transcripts).
Identifiers: ClinVar variation 333512 (VCV000333512.8), dbSNP rs13425383, ClinGen allele CA10612399.